The following is an entry in ClinVar:

ClinVar aggregate classification (germline): Benign/Likely benign. Review status: criteria provided, multiple submitters, no conflicts (2 of 4 stars). 4 submissions from 4 submitters: Benign (2); Likely benign (1). 1 of the submissions does not count toward it. Last evaluated 2026-09-01.

Conditions:
UNC45B-related disorder. Also called: UNC45B-related condition.

Allele frequency attached by ClinVar (database versions not stated): 1000 Genomes Project 0.00300; 1000 Genomes Project 30x 0.00344; ESP Exome Variant Server 0.00538.
gnomAD v4.1: 10,813 of 1,613,942 alleles (0.67%); highest among the groups gnomAD compares: Non-Finnish European, 0.83%; 64 homozygotes.

Submissions (4):

CeGaT Center for Human Genetics Tuebingen
Classification: Likely benign. Last evaluated: 2026-09-01. Review status: criteria provided, single submitter. Criteria: CeGaT Center For Human Genetics Tuebingen Variant Classification Criteria Version 2. Collection method: clinical testing. Allele origin: germline. Affected: yes. Observed: 17 variant alleles.
Comment: UNC45B: BS2

Labcorp Genetics (formerly Invitae), Labcorp
Classification: Benign. Last evaluated: 2026-01-08. Review status: criteria provided, single submitter. Criteria: Invitae Variant Classification Sherloc (09022015). Collection method: clinical testing. Allele origin: germline.

Breakthrough Genomics
Classification: Benign. Review status: criteria provided, single submitter. Criteria: ACMG Guidelines, 2015. Collection method: not provided. Allele origin: germline. Inheritance: Autosomal recessive inheritance. Affected: yes.

PreventionGenetics, part of Exact Sciences
Classification: Benign for UNC45B-related condition. Last evaluated: 2019-06-17. Review status: no assertion criteria provided. Collection method: clinical testing. Allele origin: germline. Not counted in ClinVar's aggregate classification.
Comment: This variant is classified as benign based on ACMG/AMP sequence variant interpretation guidelines (Richards et al. 2015 PMID: 25741868, with internal and published modifications).

NM_001267052.2(UNC45B):c.2138G>A (p.Arg713Gln)

Gene: UNC45B (unc-45 myosin chaperone B; plus strand). Cytogenetic location: 17q12.
Variant type: single nucleotide variant.
Coding change: c.2138G>A on transcript NM_001267052.2 (MANE Select); coding-DNA position 2138, G replaced by A.
Protein change: p.Arg713Gln; replaces arginine 713 with glutamine.
Molecular consequence: missense variant.
Genome position (GRCh38, 1-based): chr17:35,177,129, G>A. VCF-style: chr17-35177129-G-A. GRCh37 (hg19) VCF-style: chr17-33504148-G-A.
Other names: c.2138G>A, p.Arg713Gln (NM_001033576.2); c.1901G>A, p.Arg634Gln (NM_001308281.1); c.2144G>A, p.Arg715Gln (NM_173167.3); short protein forms R634Q, R713Q, R715Q.
Identifiers: ClinVar variation 1600960 (VCV001600960.34), dbSNP rs137917897, ClinGen allele CA8501411.